The following is an entry in ClinVar:

NM_006030.4(CACNA2D2):c.842+6C>T

Gene: CACNA2D2 (calcium voltage-gated channel auxiliary subunit alpha2delta 2; minus strand). Cytogenetic location: 3p21.31.
Variant type: single nucleotide variant.
Coding change: c.842+6C>T on transcript NM_006030.4 (MANE Select); 6 bases into the intron after coding-DNA position 842, C replaced by T.
Molecular consequence: intron variant.
Genome position (GRCh38, 1-based): chr3:50,380,742, G>A on the plus strand (C>T on the coding strand, the complement: CACNA2D2 is on the minus strand). VCF-style: chr3-50380742-G-A. GRCh37 (hg19) VCF-style: chr3-50418173-G-A.
Other names: c.635+6C>T (NM_001291101.1); c.842+6C>T (NM_001005505.3, NM_001174051.3, NM_001174051.1).
Identifiers: ClinVar variation 530441 (VCV000530441.6), dbSNP rs775272200, ClinGen allele CA2419065.

ClinVar aggregate classification (germline): Uncertain significance. Review status: criteria provided, multiple submitters, no conflicts (2 of 4 stars). 3 submissions from 3 submitters: Uncertain significance (3). Last evaluated 2022-08-05.

Conditions:
Inborn genetic diseases. Identifiers: MedGen C0950123, MeSH D030342.
Developmental and epileptic encephalopathy. Identifiers: MedGen C5779964, MONDO:0100620.

Allele frequency attached by ClinVar (database versions not stated): TOPMed 0.00003; gnomAD 0.00005 and 0.00006; ExAC 0.00009.
gnomAD v4.1: 24 of 1,525,956 alleles (0.0016%); highest among the groups gnomAD compares: Admixed American, 0.022%; no homozygotes.

Submissions (3):

Ambry Genetics
Classification: Uncertain significance for Inborn genetic diseases. Last evaluated: 2022-08-05. Review status: criteria provided, single submitter. Criteria: Ambry Variant Classification Scheme 2023. Collection method: clinical testing. Allele origin: germline.
Comment: The c.842+6C>T intronic alteration consists of a C to T substitution nucleotides after coding exon 8 in the CACNA2D2 gene. Based on insufficient or conflicting evidence, the clinical significance of this alteration remains unclear.

Labcorp Genetics (formerly Invitae), Labcorp
Classification: Uncertain significance for Early-infantile DEE. Last evaluated: 2022-01-16. Review status: criteria provided, single submitter. Criteria: Invitae Variant Classification Sherloc (09022015). Collection method: clinical testing. Allele origin: germline.
Comment: This sequence change falls in intron 8 of the CACNA2D2 gene. It does not directly change the encoded amino acid sequence of the CACNA2D2 protein. It affects a nucleotide within the consensus splice site. The frequency data for this variant in the population databases is considered unreliable, as metrics indicate poor data quality at this position in the gnomAD database. This variant has not been reported in the literature in individuals affected with CACNA2D2-related conditions. ClinVar contains an entry for this variant (Variation ID: 530441). Variants that disrupt the consensus splice site are a relatively common cause of aberrant splicing (PMID: 17576681, 9536098). Algorithms developed to predict the effect of sequence changes on RNA splicing suggest that this variant may create or strengthen a splice site. In summary, the available evidence is currently insufficient to determine the role of this variant in disease. Therefore, it has been classified as a Variant of Uncertain Significance.

Breakthrough Genomics
Classification: Uncertain significance. Review status: criteria provided, single submitter. Criteria: ACMG Guidelines, 2015. Collection method: not provided. Allele origin: germline. Inheritance: Autosomal recessive inheritance. Affected: yes.

Literature cited by the submitters: PubMed 17576681 (cited by Labcorp Genetics (formerly Invitae), Labcorp); PubMed 9536098 (cited by Labcorp Genetics (formerly Invitae), Labcorp).